The following is an entry in ClinVar:

ClinVar aggregate classification (germline): Uncertain significance. Review status: criteria provided, multiple submitters, no conflicts (2 of 4 stars). 6 submissions from 6 submitters: Uncertain significance (6). Last evaluated 2025-10-20.

Conditions:
Inborn genetic diseases. Identifiers: MedGen C0950123, MeSH D030342.
Meckel-Gruber syndrome. Also called: Dysencephalia splachnocystica; DYSENCEPHALIA SPLANCHNOCYSTICA; GRUBER SYNDROME. Identifiers: Orphanet 564, MedGen C0265215, MONDO:0018921.
Joubert syndrome. Also called: Familial aplasia of the vermis; JOUBERT-BOLTSHAUSER SYNDROME. Identifiers: Orphanet 475, MedGen C5979921, MONDO:0018772.
Joubert syndrome and related disorders. Identifiers: Orphanet 140874, MedGen C5679612, MONDO:0015369.

Allele frequency attached by ClinVar (database versions not stated): gnomAD 0.00010; gnomAD exomes 0.00010; ExAC 0.00015; 1000 Genomes Project 30x 0.00016; TOPMed 0.00016; ESP Exome Variant Server 0.00017; 1000 Genomes Project 0.00020.
gnomAD v4.1: 179 of 1,593,766 alleles (0.011%); highest among the groups gnomAD compares: African/African-American, 0.039%; no homozygotes.

Submissions (6):

Myriad Genetics, Inc.
Classification: Uncertain significance for Joubert syndrome and related disorders. Last evaluated: 2025-10-20. Review status: criteria provided, single submitter. Criteria: Myriad Autosomal Dominant, Autosomal Recessive and X-Linked Classification Criteria (2023). Collection method: clinical testing. Allele origin: unknown.
Comment: NM_001080522.2(CC2D2A):c.3503G>A(R1168H) is a missense variant classified as a variant of uncertain significance in the context of CC2D2A-related disorders. R1168H has not been observed in cases with relevant disease. Relevant functional assessments of this variant are not available in the literature. R1168H has been observed in referenced population frequency databases. In summary, there is insufficient evidence to classify NM_001080522.2(CC2D2A):c.3503G>A(R1168H) as pathogenic or benign. Please note: this variant was assessed in the context of healthy population screening.

Blueprint Genetics
Classification: Uncertain significance. Last evaluated: 2024-11-14. Review status: criteria provided, single submitter. Criteria: ACMG Guidelines, 2015. Collection method: clinical testing. Allele origin: germline.

GeneDx
Classification: Uncertain significance. Last evaluated: 2022-11-11. Review status: criteria provided, single submitter. Criteria: GeneDx Variant Classification Process June 2021. Collection method: clinical testing. Allele origin: germline. Affected: yes.
Comment: In silico analysis supports that this missense variant has a deleterious effect on protein structure/function; This variant is associated with the following publications: (PMID: 31738409)

Labcorp Genetics (formerly Invitae), Labcorp
Classification: Uncertain significance for Joubert syndrome; Meckel-Gruber syndrome. Last evaluated: 2022-09-27. Review status: criteria provided, single submitter. Criteria: Invitae Variant Classification Sherloc (09022015). Collection method: clinical testing. Allele origin: germline.
Comment: This sequence change replaces arginine, which is basic and polar, with histidine, which is basic and polar, at codon 1168 of the CC2D2A protein (p.Arg1168His). This variant is present in population databases (rs375344007, gnomAD 0.03%). This variant has not been reported in the literature in individuals affected with CC2D2A-related conditions. ClinVar contains an entry for this variant (Variation ID: 592621). Advanced modeling of protein sequence and biophysical properties (such as structural, functional, and spatial information, amino acid conservation, physicochemical variation, residue mobility, and thermodynamic stability) has been performed at Invitae for this missense variant, however the output from this modeling did not meet the statistical confidence thresholds required to predict the impact of this variant on CC2D2A protein function. In summary, the available evidence is currently insufficient to determine the role of this variant in disease. Therefore, it has been classified as a Variant of Uncertain Significance.

Ambry Genetics
Classification: Uncertain significance for Inborn genetic diseases. Last evaluated: 2021-10-20. Review status: criteria provided, single submitter. Criteria: Ambry Variant Classification Scheme 2023. Collection method: clinical testing. Allele origin: germline.

Eurofins Ntd Llc (ga)
Classification: Uncertain significance. Last evaluated: 2018-01-12. Review status: criteria provided, single submitter. Criteria: EGL Classification Definitions 2015. Collection method: clinical testing. Allele origin: germline. Observed: 4 variant alleles, 4 heterozygotes.

NM_001378615.1(CC2D2A):c.3503G>A (p.Arg1168His)

Genes: CC2D2A (coiled-coil and C2 domain containing 2A; plus strand), FBXL5 (F-box and leucine rich repeat protein 5; minus strand). Cytogenetic location: 4p15.32.
Variant type: single nucleotide variant.
Coding change: c.3503G>A on transcript NM_001378615.1 (MANE Select); coding-DNA position 3503, G replaced by A.
Protein change: p.Arg1168His; replaces arginine 1168 with histidine.
Molecular consequence: missense variant.
Genome position (GRCh38, 1-based): chr4:15,570,405, G>A. VCF-style: chr4-15570405-G-A. GRCh37 (hg19) VCF-style: chr4-15572028-G-A.
Other names: c.3503G>A, p.Arg1168His (NM_001080522.2); c.3356G>A, p.Arg1119His (NM_001378617.1); short protein forms R1168H, R1119H.
Identifiers: ClinVar variation 592621 (VCV000592621.15), dbSNP rs375344007, ClinGen allele CA2864192.